The following is an entry in ClinVar:

NM_173500.4(TTBK2):c.1571C>G (p.Pro524Arg)

Gene: TTBK2 (tau tubulin kinase 2; minus strand). Cytogenetic location: 15q15.2.
Variant type: single nucleotide variant.
Coding change: c.1571C>G on transcript NM_173500.4 (MANE Select); coding-DNA position 1571, C replaced by G.
Protein change: p.Pro524Arg; replaces proline 524 with arginine.
Molecular consequence: missense variant.
Genome position (GRCh38, 1-based): chr15:42,775,562, G>C on the plus strand (C>G on the coding strand, the complement: TTBK2 is on the minus strand). VCF-style: chr15-42775562-G-C. GRCh37 (hg19) VCF-style: chr15-43067760-G-C.
Other names: short protein forms P524R.
Identifiers: ClinVar variation 4806354 (VCV004806354.1).

ClinVar aggregate classification (germline): Uncertain significance (1 of 4 stars; one submission).

gnomAD v4.1: 1 of 1,614,192 alleles (0.000062%); highest among the groups gnomAD compares: African/African-American, 0.0013%; no homozygotes.

Submission:

Labcorp Genetics (formerly Invitae), Labcorp
Classification: Uncertain significance. Last evaluated: 2026-01-12. Review status: criteria provided, single submitter. Criteria: Invitae Variant Classification Sherloc (09022015). Collection method: clinical testing. Allele origin: germline.
Comment: This sequence change replaces proline, which is neutral and non-polar, with arginine, which is basic and polar, at codon 524 of the TTBK2 protein (p.Pro524Arg). This variant is not present in population databases (gnomAD no frequency). This variant has not been reported in the literature in individuals affected with TTBK2-related conditions. Invitae Evidence Modeling of protein sequence and biophysical properties (such as structural, functional, and spatial information, amino acid conservation, physicochemical variation, residue mobility, and thermodynamic stability) indicates that this missense variant is not expected to disrupt TTBK2 protein function with a negative predictive value of 80%. In summary, the available evidence is currently insufficient to determine the role of this variant in disease. Therefore, it has been classified as a Variant of Uncertain Significance.